The following is an entry in ClinVar:

ClinVar aggregate classification (germline): Benign/Likely benign. Review status: criteria provided, multiple submitters, no conflicts (2 of 4 stars). 4 submissions from 4 submitters: Benign (2); Likely benign (2). Last evaluated 2024-11-05.

Conditions:
Retinoblastoma (RB1). Also called: RETINOBLASTOMA, SOMATIC. Identifiers: Orphanet 790, MedGen C0035335, MeSH D012175, MONDO:0008380, OMIM 180200, HP:0009919. Disease mechanism: loss of function. Inheritance: Both sporadic and heritable forms are tested..
Hereditary cancer-predisposing syndrome. Also called: Hereditary Cancer Syndrome; Hereditary neoplastic syndrome; Neoplastic Syndromes, Hereditary; Tumor predisposition. Identifiers: Orphanet 140162, MedGen C0027672, MeSH D009386, MONDO:0015356.

Allele frequency attached by ClinVar (database versions not stated): gnomAD 0.00020; gnomAD exomes 0.00032; 1000 Genomes Project 30x 0.00125; 1000 Genomes Project 0.00140.
gnomAD v4.1: 493 of 1,596,214 alleles (0.031%); highest among the groups gnomAD compares: South Asian, 0.52%; 4 homozygotes.

Submissions (4):

Labcorp Genetics (formerly Invitae), Labcorp
Classification: Benign for Retinoblastoma. Last evaluated: 2024-11-05. Review status: criteria provided, single submitter. Criteria: Invitae Variant Classification Sherloc (09022015). Collection method: clinical testing. Allele origin: germline.

Genetic Diagnostic Laboratory, University of Pennsylvania School of Medicine
Classification: Likely benign for Retinoblastoma. Last evaluated: 2024-05-20. Review status: criteria provided, single submitter. Criteria: ACMG Guidelines, 2015. Collection method: clinical testing. Allele origin: germline. Affected: yes. Observed: 1 variant allele.
Comment: Case and Pedigree Information: BILATERAL CASES:1, UNILATERAL CASES:0, TOTAL CASES:1, PEDIGREES:1. ACMG Codes Applied:BS1, BP4

Sema4
Classification: Benign for Hereditary cancer-predisposing syndrome. Last evaluated: 2021-09-15. Review status: criteria provided, single submitter. Criteria: Sema4 Curation Guidelines. Collection method: curation. Allele origin: germline.

GeneDx
Classification: Likely benign. Last evaluated: 2020-09-30. Review status: criteria provided, single submitter. Criteria: GeneDx Variant Classification Process June 2021. Collection method: clinical testing. Allele origin: germline. Affected: yes.
Comment: This variant is associated with the following publications: (PMID: 28193182)

NM_000321.3(RB1):c.940-21C>A

Gene: RB1 (RB transcriptional corepressor 1; plus strand). Cytogenetic location: 13q14.2.
Variant type: single nucleotide variant.
Coding change: c.940-21C>A on transcript NM_000321.3 (MANE Select); 21 bases into the intron before coding-DNA position 940, C replaced by A.
Molecular consequence: intron variant.
Genome position (GRCh38, 1-based): chr13:48,367,473, C>A. VCF-style: chr13-48367473-C-A. GRCh37 (hg19) VCF-style: chr13-48941609-C-A.
Identifiers: ClinVar variation 1165731 (VCV001165731.13), dbSNP rs559042622, ClinGen allele CA039937.